The following is an entry in ClinVar:

ClinVar aggregate classification (germline): Uncertain significance. Review status: criteria provided, multiple submitters, no conflicts (2 of 4 stars). 2 submissions from 2 submitters: Uncertain significance (2). Last evaluated 2025-11-24.

Conditions:
Inborn genetic diseases. Identifiers: MedGen C0950123, MeSH D030342.
Mosaic variegated aneuploidy syndrome 1 (MVA1). Also called: Warburton-Anyane-Yeboa syndrome. Identifiers: Orphanet 1052, MedGen C1850343, MONDO:0009759, OMIM 257300.

Submissions (2):

Ambry Genetics
Classification: Uncertain significance for Inborn genetic diseases. Last evaluated: 2025-11-24. Review status: criteria provided, single submitter. Criteria: Ambry Variant Classification Scheme 2023. Collection method: clinical testing. Allele origin: germline.
Comment: The p.A183T variant (also known as c.547G>A), located in coding exon 5 of the BUB1B gene, results from a G to A substitution at nucleotide position 547. The alanine at codon 183 is replaced by threonine, an amino acid with similar properties. This amino acid position is conserved. In addition, this alteration is predicted to be deleterious by in silico analysis. Since supporting evidence is limited at this time, the clinical significance of this alteration remains unclear.

Labcorp Genetics (formerly Invitae), Labcorp
Classification: Uncertain significance for Mosaic variegated aneuploidy syndrome 1. Last evaluated: 2020-11-21. Review status: criteria provided, single submitter. Criteria: Invitae Variant Classification Sherloc (09022015). Collection method: clinical testing. Allele origin: germline.
Comment: This sequence change replaces alanine with threonine at codon 183 of the BUB1B protein (p.Ala183Thr). The alanine residue is highly conserved and there is a small physicochemical difference between alanine and threonine. This variant is not present in population databases (ExAC no frequency). This variant has not been reported in the literature in individuals with BUB1B-related conditions. ClinVar contains an entry for this variant (Variation ID: 836045). Algorithms developed to predict the effect of missense changes on protein structure and function are either unavailable or do not agree on the potential impact of this missense change (SIFT: "Deleterious"; PolyPhen-2: "Probably Damaging"; Align-GVGD: "Class C0"). In summary, the available evidence is currently insufficient to determine the role of this variant in disease. Therefore, it has been classified as a Variant of Uncertain Significance.

NM_001211.6(BUB1B):c.547G>A (p.Ala183Thr)

Gene: BUB1B (BUB1 mitotic checkpoint serine/threonine kinase B; plus strand). Cytogenetic location: 15q15.1.
Variant type: single nucleotide variant.
Coding change: c.547G>A on transcript NM_001211.6 (MANE Select); coding-DNA position 547, G replaced by A.
Protein change: p.Ala183Thr; replaces alanine 183 with threonine.
Molecular consequence: missense variant.
Genome position (GRCh38, 1-based): chr15:40,176,639, G>A. VCF-style: chr15-40176639-G-A. GRCh37 (hg19) VCF-style: chr15-40468840-G-A.
Other names: short protein forms A183T.
Identifiers: ClinVar variation 836045 (VCV000836045.13), dbSNP rs1442788795, ClinGen allele CA391681450.